The following is an entry in ClinVar:

NM_004360.5(CDH1):c.387+7T>A

Gene: CDH1 (cadherin 1; plus strand). Cytogenetic location: 16q22.1.
Variant type: single nucleotide variant.
Coding change: c.387+7T>A on transcript NM_004360.5 (MANE Select); 7 bases into the intron after coding-DNA position 387, T replaced by A.
Molecular consequence: intron variant.
Genome position (GRCh38, 1-based): chr16:68,801,900, T>A. VCF-style: chr16-68801900-T-A. GRCh37 (hg19) VCF-style: chr16-68835803-T-A.
Other names: c.387+7T>A (LRG_301t1, NM_001317184.2); c.-1229+7T>A (NM_001317185.2); c.-1433+7T>A (NM_001317186.2).
Identifiers: ClinVar variation 463779 (VCV000463779.13), dbSNP rs1555514499, ClinGen allele CA658658478.

ClinVar aggregate classification (germline): Likely benign. Review status: criteria provided, multiple submitters, no conflicts (2 of 4 stars). 2 submissions from 2 submitters: Likely benign (2). Last evaluated 2024-11-05.

Conditions:
Hereditary diffuse gastric adenocarcinoma (HDGC). Also called: DIFFUSE GASTRIC AND LOBULAR BREAST CANCER SYNDROME. Identifiers: Orphanet 26106, MedGen C1708349, MONDO:0007648, OMIM 137215.

Allele frequency attached by ClinVar (database versions not stated): gnomAD exomes 0.00001.
gnomAD v4.1: 9 of 1,611,648 alleles (0.00056%); highest among the groups gnomAD compares: Non-Finnish European, 0.00068%; no homozygotes.

Submissions (2):

Labcorp Genetics (formerly Invitae), Labcorp
Classification: Likely benign for Hereditary diffuse gastric adenocarcinoma. Last evaluated: 2024-11-05. Review status: criteria provided, single submitter. Criteria: Invitae Variant Classification Sherloc (09022015). Collection method: clinical testing. Allele origin: germline.

Myriad Genetics, Inc.
Classification: Likely benign for Hereditary diffuse gastric adenocarcinoma. Last evaluated: 2024-09-12. Review status: criteria provided, single submitter. Criteria: Myriad Autosomal Dominant, Autosomal Recessive and X-Linked Classification Criteria (2023). Collection method: clinical testing. Allele origin: unknown.
Comment: This variant is considered likely benign. This variant is intronic and is not expected to impact mRNA splicing.